The following is an entry in ClinVar:

NM_001375405.1(CEP120):c.285C>T (p.Ile95=)

Gene: CEP120 (centrosomal protein 120; minus strand). Cytogenetic location: 5q23.2.
Variant type: single nucleotide variant.
Coding change: c.285C>T on transcript NM_001375405.1 (MANE Select); coding-DNA position 285, C replaced by T.
Protein change: p.Ile95=; no amino-acid change (isoleucine 95 retained).
Molecular consequence: synonymous variant. On other transcripts: 5 prime UTR variant (2), non-coding transcript variant (1).
Genome position (GRCh38, 1-based): chr5:123,416,046, G>A on the plus strand (C>T on the coding strand, the complement: CEP120 is on the minus strand). VCF-style: chr5-123416046-G-A. GRCh37 (hg19) VCF-style: chr5-122751740-G-A.
Other names: c.207C>T, p.Ile69= (NM_001166226.2); c.285C>T, p.Ile95= (NM_001375406.1, NM_001375407.1, NM_153223.4); c.-464C>T (NM_001375408.1); c.-406C>T (NM_001375409.1).
Identifiers: ClinVar variation 2040814 (VCV002040814.7), dbSNP rs367752008, ClinGen allele CA3387295.

ClinVar aggregate classification (germline): Likely benign. Review status: criteria provided, multiple submitters, no conflicts (2 of 4 stars). 3 submissions from 3 submitters: Likely benign (3). Last evaluated 2026-04-01.

Conditions:
Short-rib thoracic dysplasia 13 with or without polydactyly (SRTD13). Identifiers: Orphanet 474, MedGen C4225378, MONDO:0014577, OMIM 616300.

Allele frequency attached by ClinVar (database versions not stated): ESP Exome Variant Server 0.00017.
gnomAD v4.1: 187 of 1,613,838 alleles (0.012%); highest among the groups gnomAD compares: Non-Finnish European, 0.013%; no homozygotes.

Submissions (3):

CeGaT Center for Human Genetics Tuebingen
Classification: Likely benign. Last evaluated: 2026-04-01. Review status: criteria provided, single submitter. Criteria: CeGaT Center For Human Genetics Tuebingen Variant Classification Criteria Version 2. Collection method: clinical testing. Allele origin: germline. Affected: yes. Observed: 1 variant allele.
Comment: CEP120: BP4, BP7

Labcorp Genetics (formerly Invitae), Labcorp
Classification: Likely benign for Short-rib thoracic dysplasia 13 with or without polydactyly. Last evaluated: 2025-06-02. Review status: criteria provided, single submitter. Criteria: Invitae Variant Classification Sherloc (09022015). Collection method: clinical testing. Allele origin: germline.

Blueprint Genetics
Classification: Likely benign. Last evaluated: 2023-10-19. Review status: criteria provided, single submitter. Criteria: ACMG Guidelines, 2015. Collection method: clinical testing. Allele origin: germline.